The following is an entry in ClinVar:

ClinVar aggregate classification (germline): Uncertain significance (1 of 4 stars; one submission).

Submission:

GeneDx
Classification: Uncertain significance. Last evaluated: 2024-08-27. Review status: criteria provided, single submitter. Criteria: GeneDx Variant Classification Process June 2021. Collection method: clinical testing. Allele origin: germline. Affected: yes.
Comment: Not observed at significant frequency in large population cohorts (gnomAD); In silico analysis indicates that this missense variant does not alter protein structure/function; Has not been previously published as pathogenic or benign to our knowledge

NM_019842.4(KCNQ5):c.2303C>T (p.Pro768Leu)

Gene: KCNQ5 (potassium voltage-gated channel subfamily Q member 5; plus strand). Cytogenetic location: 6q13.
Variant type: single nucleotide variant.
Coding change: c.2303C>T on transcript NM_019842.4 (MANE Select); coding-DNA position 2303, C replaced by T.
Protein change: p.Pro768Leu; replaces proline 768 with leucine.
Molecular consequence: missense variant.
Genome position (GRCh38, 1-based): chr6:73,194,918, C>T. VCF-style: chr6-73194918-C-T. GRCh37 (hg19) VCF-style: chr6-73904641-C-T.
Other names: c.2276C>T, p.Pro759Leu (NM_001160130.2); c.2333C>T, p.Pro778Leu (NM_001160132.2); c.2360C>T, p.Pro787Leu (NM_001160133.2); c.1973C>T, p.Pro658Leu (NM_001160134.2); short protein forms P658L, P759L, P768L, P778L, P787L.
Identifiers: ClinVar variation 3766409 (VCV003766409.1).